The following is an entry in ClinVar:

ClinVar aggregate classification (germline): Likely pathogenic (1 of 4 stars; one submission).

Submission:

Labcorp Genetics (formerly Invitae), Labcorp
Classification: Likely pathogenic. Last evaluated: 2022-11-08. Review status: criteria provided, single submitter. Criteria: Invitae Variant Classification Sherloc (09022015). Collection method: clinical testing. Allele origin: germline.
Comment: This variant is not present in population databases (gnomAD no frequency). In summary, the currently available evidence indicates that the variant is pathogenic, but additional data are needed to prove that conclusively. Therefore, this variant has been classified as Likely Pathogenic. Algorithms developed to predict the effect of sequence changes on RNA splicing suggest that this variant may disrupt the consensus splice site. ClinVar contains an entry for this variant (Variation ID: 1511681). This variant has not been reported in the literature in individuals affected with ADGRV1-related conditions. This sequence change affects an acceptor splice site in intron 6 of the ADGRV1 gene. It is expected to disrupt RNA splicing. Variants that disrupt the donor or acceptor splice site typically lead to a loss of protein function (PMID: 16199547), and loss-of-function variants in ADGRV1 are known to be pathogenic (PMID: 19357117, 22135276, 22147658, 26226137, 30718709, 31047384, 32467589).

Literature cited by the submitters: PubMed 16199547; PubMed 19357117; PubMed 22135276; PubMed 22147658; PubMed 26226137; PubMed 30718709; PubMed 31047384; PubMed 32467589.

NM_032119.4(ADGRV1):c.673-2A>G

Gene: ADGRV1 (adhesion G protein-coupled receptor V1; plus strand). Cytogenetic location: 5q14.3.
Variant type: single nucleotide variant.
Coding change: c.673-2A>G on transcript NM_032119.4 (MANE Select); the canonical splice acceptor site of the intron before coding-DNA position 673, A replaced by G.
Molecular consequence: splice acceptor variant.
Genome position (GRCh38, 1-based): chr5:90,627,209, A>G. VCF-style: chr5-90627209-A-G. GRCh37 (hg19) VCF-style: chr5-89923026-A-G.
Identifiers: ClinVar variation 1511681 (VCV001511681.6), dbSNP rs2149375770, ClinGen allele CA360365378.